The following is an entry in ClinVar:

ClinVar aggregate classification (germline): Uncertain significance. Review status: criteria provided, multiple submitters, no conflicts (2 of 4 stars). 2 submissions from 2 submitters: Uncertain significance (2). Last evaluated 2025-12-18.

Conditions:
Hereditary cancer-predisposing syndrome. Also called: Hereditary Cancer Syndrome; Neoplastic Syndromes, Hereditary; Tumor predisposition; Hereditary neoplastic syndrome. Identifiers: Orphanet 140162, MedGen C0027672, MeSH D009386, MONDO:0015356.
DICER1-related tumor predisposition. Also called: DICER1-related pleuropulmonary blastoma cancer predisposition syndrome; DICER1 syndrome. Identifiers: Orphanet 284343, MedGen C3839822, MONDO:0100216.

Submissions (2):

Ambry Genetics
Classification: Uncertain significance for Hereditary cancer-predisposing syndrome. Last evaluated: 2025-12-18. Review status: criteria provided, single submitter. Criteria: Ambry Variant Classification Scheme 2023. Collection method: clinical testing. Allele origin: germline.
Comment: The c.2436+3A>T intronic variant results from an A to T substitution 3 nucleotides after coding exon 14 in the DICER1 gene. This nucleotide position is well conserved in available vertebrate species. In silico splice site analysis predicts that this alteration will not have any significant effect on splicing. Based on the available evidence, the clinical significance of this variant remains unclear.

Labcorp Genetics (formerly Invitae), Labcorp
Classification: Uncertain significance for DICER1-related tumor predisposition. Last evaluated: 2024-02-23. Review status: criteria provided, single submitter. Criteria: Invitae Variant Classification Sherloc (09022015). Collection method: clinical testing. Allele origin: germline.
Comment: This sequence change falls in intron 15 of the DICER1 gene. It does not directly change the encoded amino acid sequence of the DICER1 protein. It affects a nucleotide within the consensus splice site. This variant is not present in population databases (gnomAD no frequency). This variant has not been reported in the literature in individuals affected with DICER1-related conditions. Variants that disrupt the consensus splice site are a relatively common cause of aberrant splicing (PMID: 17576681, 9536098). Algorithms developed to predict the effect of sequence changes on RNA splicing suggest that this variant is not likely to affect RNA splicing. In summary, the available evidence is currently insufficient to determine the role of this variant in disease. Therefore, it has been classified as a Variant of Uncertain Significance.

Literature cited by the submitters: PubMed 17576681 (cited by Labcorp Genetics (formerly Invitae), Labcorp); PubMed 9536098 (cited by Labcorp Genetics (formerly Invitae), Labcorp).

NM_177438.3(DICER1):c.2436+3A>T

Gene: DICER1 (dicer 1, ribonuclease III; minus strand). Cytogenetic location: 14q32.13.
Variant type: single nucleotide variant.
Coding change: c.2436+3A>T on transcript NM_177438.3 (MANE Select); 3 bases into the intron after coding-DNA position 2436, A replaced by T.
Molecular consequence: intron variant.
Genome position (GRCh38, 1-based): chr14:95,108,321, T>A on the plus strand (A>T on the coding strand, the complement: DICER1 is on the minus strand). VCF-style: chr14-95108321-T-A. GRCh37 (hg19) VCF-style: chr14-95574658-T-A.
Other names: c.2436+3A>T (NM_001291628.2, NM_030621.4, NM_001395677.1 and 13 more transcripts); c.2031+3A>T (NM_001395690.1, NM_001395687.1, NM_001395689.1 and 2 more transcripts); c.2154+3A>T (NM_001395686.1); c.1869+3A>T (NM_001395691.1); c.753+3A>T (NM_001395697.1).
Identifiers: ClinVar variation 3642843 (VCV003642843.3).